The following is an entry in ClinVar:

NM_006912.6(RIT1):c.259G>A (p.Asp87Asn)

Gene: RIT1 (Ras like without CAAX 1; minus strand). Cytogenetic location: 1q22.
Variant type: single nucleotide variant.
Coding change: c.259G>A on transcript NM_006912.6 (MANE Select); coding-DNA position 259, G replaced by A.
Protein change: p.Asp87Asn; replaces aspartic acid 87 with asparagine.
Molecular consequence: missense variant.
Genome position (GRCh38, 1-based): chr1:155,904,481, C>T on the plus strand (G>A on the coding strand, the complement: RIT1 is on the minus strand). VCF-style: chr1-155904481-C-T. GRCh37 (hg19) VCF-style: chr1-155874272-C-T.
Other names: c.151G>A, p.Asp51Asn (NM_001256820.2); c.310G>A, p.Asp104Asn (NM_001256821.2); short protein forms D104N, D51N, D87N.
Identifiers: ClinVar variation 2447640 (VCV002447640.3), dbSNP rs886041414, ClinGen allele CA342802863.
Genomic context (GRCh38, chr1:155,904,481, plus strand): 5'-TTCGACGATCCGTGATAGAGTAACAGATGATAAACCCTTCTCCTGCCCTCATATACTGGT[C>T]CCGCATGGCTGTAAACTCTGCCTAGAGGGAAACAAGGGTCATTATGTATTGACGCAATCT-3'
Protein context (NP_008843.1, residues 77-97): AGQAEFTAMR[Asp87Asn]QYMRAGEGFI

ClinVar aggregate classification (germline): Likely pathogenic (1 of 4 stars; one submission).

Conditions:
Cardiovascular phenotype. Identifiers: MedGen CN230736.

Allele frequency attached by ClinVar (database versions not stated): gnomAD exomes below 0.00001.
gnomAD v4.1: 1 of 1,613,742 alleles (0.000062%); highest among the groups gnomAD compares: Non-Finnish European, 0.000085%; no homozygotes.

Submission:

Ambry Genetics
Classification: Likely pathogenic for Cardiovascular phenotype. Last evaluated: 2025-05-01. Review status: criteria provided, single submitter. Criteria: Ambry Variant Classification Scheme 2023. Collection method: clinical testing. Allele origin: germline.
Comment: The p.D87N variant (also known as c.259G>A), located in coding exon 4 of the RIT1 gene, results from a G to A substitution at nucleotide position 259. The aspartic acid at codon 87 is replaced by asparagine, an amino acid with highly similar properties. Another alteration at the same codon, p.D87H (c.259G>C), has also been described in an individual with features of a Rasopathy disorder (Leung GKC et al. Sci Rep, 2018 Feb;8:2421). This variant is considered to be rare based on population cohorts in the Genome Aggregation Database (gnomAD). This amino acid position is highly conserved in available vertebrate species. In addition, this alteration is predicted to be tolerated by in silico analysis. Based on the majority of available evidence to date, this variant is likely to be pathogenic.

Literature cited by the submitters: PubMed 29402968.